The following is an entry in ClinVar:

ClinVar aggregate classification (germline): Uncertain significance (1 of 4 stars; one submission).

Conditions:
Autosomal dominant childhood-onset proximal spinal muscular atrophy with contractures (SMALED2A). Also called: Spinal muscular atrophy, lower extremity-predominant, 2A, autosomal dominant; SPINAL MUSCULAR ATROPHY, LOWER EXTREMITY-PREDOMINANT, 2A, CHILDHOOD ONSET, AUTOSOMAL DOMINANT. Identifiers: Orphanet 363447, Orphanet 363454, MedGen C4747715, MONDO:0014121, OMIM 615290.

Submission:

Labcorp Genetics (formerly Invitae), Labcorp
Classification: Uncertain significance for Autosomal dominant childhood-onset proximal spinal muscular atrophy with contractures. Last evaluated: 2021-03-05. Review status: criteria provided, single submitter. Criteria: Invitae Variant Classification Sherloc (09022015). Collection method: clinical testing. Allele origin: germline.
Comment: In summary, the available evidence is currently insufficient to determine the role of this variant in disease. Therefore, it has been classified as a Variant of Uncertain Significance. Experimental studies and prediction algorithms are not available for this variant, and the functional significance of the deleted amino acid is currently unknown. This variant has not been reported in the literature in individuals with BICD2-related disease. This variant is not present in population databases (ExAC no frequency). This variant, c.1510_1512delAAG, results in the deletion of 1 amino acid of the BICD2 protein (p.Lys504del), but otherwise preserves the integrity of the reading frame.

NM_001003800.2(BICD2):c.1510_1512del (p.Lys504del)

Gene: BICD2 (BICD cargo adaptor 2; minus strand). Cytogenetic location: 9q22.31.
Variant type: Deletion.
Coding change: c.1510_1512del on transcript NM_001003800.2 (MANE Select); coding-DNA positions 1510 to 1512, 3 bases deleted (AAG; older notation c.1510_1512delAAG).
Protein change: p.Lys504del; deletes lysine 504.
Molecular consequence: inframe deletion.
Genome position (GRCh38, 1-based): chr9:92,719,133-92,719,135, CTT deleted on the plus strand (AAG on the coding strand, the reverse complement: BICD2 is on the minus strand); deleting any 3 consecutive bases within chr9:92,719,133-92,719,137 gives the same sequence; the c. name uses the placement nearest the transcript's 3' end. VCF-style (leftmost placement, unchanged base first): chr9-92719132-CCTT-C. GRCh37 (hg19) VCF-style: chr9-95481414-CCTT-C.
Other names: c.1510_1512del, p.Lys504del (NM_015250.4); short protein forms K504del.
Identifiers: ClinVar variation 541287 (VCV000541287.9), dbSNP rs1554705506, ClinGen allele CA658797226.